The following is an entry in ClinVar:

ClinVar aggregate classification (germline): Likely benign. Review status: criteria provided, multiple submitters, no conflicts (2 of 4 stars). 3 submissions from 3 submitters: Likely benign (2). 1 of the submissions does not count toward it. Last evaluated 2026-07-01.

Conditions:
PRR12-related disorder. Also called: PRR12-related condition.

Allele frequency attached by ClinVar (database versions not stated): ESP Exome Variant Server 0.00025; gnomAD 0.00031; ExAC 0.00034; TOPMed 0.00035; gnomAD exomes 0.00057.
gnomAD v4.1: 861 of 1,612,890 alleles (0.053%); highest among the groups gnomAD compares: Non-Finnish European, 0.07%; no homozygotes.

Submissions (3):

CeGaT Center for Human Genetics Tuebingen
Classification: Likely benign. Last evaluated: 2026-07-01. Review status: criteria provided, single submitter. Criteria: CeGaT Center For Human Genetics Tuebingen Variant Classification Criteria Version 2. Collection method: clinical testing. Allele origin: germline. Affected: yes. Observed: 4 variant alleles.
Comment: PRR12: BP4, BP7

Blueprint Genetics
Classification: Likely benign. Last evaluated: 2024-10-04. Review status: criteria provided, single submitter. Criteria: ACMG Guidelines, 2015. Collection method: clinical testing. Allele origin: germline.

PreventionGenetics, part of Exact Sciences
Classification: Likely benign for PRR12-related condition. Last evaluated: 2019-03-27. Review status: no assertion criteria provided. Collection method: clinical testing. Allele origin: germline. Not counted in ClinVar's aggregate classification.
Comment: This variant is classified as likely benign based on ACMG/AMP sequence variant interpretation guidelines (Richards et al. 2015 PMID: 25741868, with internal and published modifications).

NM_020719.3(PRR12):c.261C>T (p.Ser87=)

Gene: PRR12 (proline rich 12; plus strand). Cytogenetic location: 19q13.33.
Variant type: single nucleotide variant.
Coding change: c.261C>T on transcript NM_020719.3 (MANE Select); coding-DNA position 261, C replaced by T.
Protein change: p.Ser87=; no amino-acid change (serine 87 retained).
Molecular consequence: synonymous variant.
Genome position (GRCh38, 1-based): chr19:49,594,515, C>T. VCF-style: chr19-49594515-C-T. GRCh37 (hg19) VCF-style: chr19-50097772-C-T.
Identifiers: ClinVar variation 3051359 (VCV003051359.16), dbSNP rs371896951, ClinGen allele CA9577596.
Genomic context (GRCh38, chr19:49,594,515, plus strand): 5'-CCTCTCTGGACTCTTCGACACTGGCCTCCACCACGCGGGCTCAGCAGGGCCCGACGCCTC[C>T]GTCATGAACCTTATCTCGGCCCTGGAATCCCGGGGCCCCCAGCCTGGCCCCTCCGCCTCC-3'
Protein context (NP_065770.1, residues 77-97): HHAGSAGPDA[Ser87=]VMNLISALES